The following is an entry in ClinVar:

ClinVar aggregate classification (germline): Uncertain significance (1 of 4 stars; one submission).

Conditions:
Hypodontia. Also called: Partial congenital absence of teeth; TOOTH AGENESIS, FAMILIAL; Tooth agenesis, selective. Identifiers: Orphanet 99798, MedGen C0020608, MONDO:0005486, HP:0000668. Disease mechanism: loss of function.

gnomAD v4.1: 1 of 1,613,966 alleles (0.000062%); no homozygotes.

Submission:

Labcorp Genetics (formerly Invitae), Labcorp
Classification: Uncertain significance for Hypodontia. Last evaluated: 2024-03-12. Review status: criteria provided, single submitter. Criteria: Invitae Variant Classification Sherloc (09022015). Collection method: clinical testing. Allele origin: germline.
Comment: This sequence change replaces cysteine, which is neutral and slightly polar, with phenylalanine, which is neutral and non-polar, at codon 112 of the PAX9 protein (p.Cys112Phe). This variant is present in population databases (no rsID available, gnomAD 0.03%). This variant has not been reported in the literature in individuals affected with PAX9-related conditions. Advanced modeling of protein sequence and biophysical properties (such as structural, functional, and spatial information, amino acid conservation, physicochemical variation, residue mobility, and thermodynamic stability) performed at Invitae indicates that this missense variant is expected to disrupt PAX9 protein function with a positive predictive value of 80%. In summary, the available evidence is currently insufficient to determine the role of this variant in disease. Therefore, it has been classified as a Variant of Uncertain Significance.

NM_001372076.1(PAX9):c.335G>T (p.Cys112Phe)

Gene: PAX9 (paired box 9; plus strand). Cytogenetic location: 14q13.3.
Variant type: single nucleotide variant.
Coding change: c.335G>T on transcript NM_001372076.1 (MANE Select); coding-DNA position 335, G replaced by T.
Protein change: p.Cys112Phe; replaces cysteine 112 with phenylalanine.
Molecular consequence: missense variant.
Genome position (GRCh38, 1-based): chr14:36,663,227, G>T. VCF-style: chr14-36663227-G-T. GRCh37 (hg19) VCF-style: chr14-37132432-G-T.
Other names: c.335G>T, p.Cys112Phe (NM_006194.4); short protein forms C112F.
Identifiers: ClinVar variation 3645480 (VCV003645480.2).